The following is an entry in ClinVar:

ClinVar aggregate classification (germline): Conflicting classifications of pathogenicity. Review status: criteria provided, conflicting classifications (1 of 4 stars). 4 submissions from 4 submitters: Uncertain significance (2); Likely benign (2). Last evaluated 2025-12-13.

Conditions:
Inborn genetic diseases. Identifiers: MedGen C0950123, MeSH D030342.
Developmental and epileptic encephalopathy 94 (DEE94). Also called: CHD2-Related Neurodevelopmental Disorders; Epileptic encephalopathy, childhood-onset. Identifiers: Orphanet 1942, Orphanet 2382, MedGen C3809278, MONDO:0014150, OMIM 615369.

Allele frequency attached by ClinVar (database versions not stated): ExAC 0.00002; gnomAD exomes 0.00003 and 0.00006; gnomAD 0.00004; TOPMed 0.00004; 1000 Genomes Project 30x 0.00016; 1000 Genomes Project 0.00020.
gnomAD v4.1: 96 of 1,614,104 alleles (0.0059%); highest among the groups gnomAD compares: Non-Finnish European, 0.0075%; no homozygotes.

Submissions (4):

Labcorp Genetics (formerly Invitae), Labcorp
Classification: Uncertain significance for Developmental and epileptic encephalopathy 94. Last evaluated: 2025-12-13. Review status: criteria provided, single submitter. Criteria: Invitae Variant Classification Sherloc (09022015). Collection method: clinical testing. Allele origin: germline.
Comment: This sequence change replaces arginine, which is basic and polar, with histidine, which is basic and polar, at codon 1788 of the CHD2 protein (p.Arg1788His). This variant is present in population databases (rs140365508, gnomAD 0.005%). This variant has not been reported in the literature in individuals affected with CHD2-related conditions. ClinVar contains an entry for this variant (Variation ID: 862107). Invitae Evidence Modeling of protein sequence and biophysical properties (such as structural, functional, and spatial information, amino acid conservation, physicochemical variation, residue mobility, and thermodynamic stability) indicates that this missense variant is not expected to disrupt CHD2 protein function with a negative predictive value of 95%. In summary, the available evidence is currently insufficient to determine the role of this variant in disease. Therefore, it has been classified as a Variant of Uncertain Significance.

Pittsburgh Clinical Genomics Laboratory, University of Pittsburgh Medical Center
Classification: Uncertain significance for Developmental and epileptic encephalopathy 94. Last evaluated: 2024-05-17. Review status: criteria provided, single submitter. Criteria: ACMG Guidelines, 2015. Collection method: clinical testing. Allele origin: germline. Inheritance: Autosomal dominant inheritance. Affected: yes.
Comment: This sequence variant is a single nucleotide substitution (G>A) at position 5363 of the coding sequence of the CHD2 gene that results in an arginine to histidine amino acid change at residue 1788 of chromodomain helicase DNA binding protein 2. This is a previously reported variant (ClinVar 862107) that has not been observed in the literature in individuals affected by CHD2-related disease, to our knowledge. This variant is present in 96/1614104 alleles (0.005948%) in the gnomAD v4.1.0 population dataset. Multiple bioinformatic tools predict that this amino acid change would be damaging, and the Arg1788 residue at this position is highly conserved across the vertebrate species examined. Studies examining the functional consequence of this variant have not been performed, to our knowledge. At this time, there is insufficient evidence to determine if this variant is pathogenic or benign. Therefore, we consider this a variant of uncertain significance. ACMG Criteria: PM2, PP3

Ambry Genetics
Classification: Likely benign for Inborn genetic diseases. Last evaluated: 2022-03-17. Review status: criteria provided, single submitter. Criteria: Ambry Variant Classification Scheme 2023. Collection method: clinical testing. Allele origin: germline.

GeneDx
Classification: Likely benign. Last evaluated: 2021-01-08. Review status: criteria provided, single submitter. Criteria: GeneDx Variant Classification Process June 2021. Collection method: clinical testing. Allele origin: germline. Affected: yes.
Comment: In silico analysis supports that this missense variant has a deleterious effect on protein structure/function; Has not been previously published as pathogenic or benign to our knowledge

NM_001271.4(CHD2):c.5363G>A (p.Arg1788His)

Gene: CHD2 (chromodomain helicase DNA binding protein 2; plus strand). Cytogenetic location: 15q26.1.
Variant type: single nucleotide variant.
Coding change: c.5363G>A on transcript NM_001271.4 (MANE Select); coding-DNA position 5363, G replaced by A.
Protein change: p.Arg1788His; replaces arginine 1788 with histidine.
Molecular consequence: missense variant.
Genome position (GRCh38, 1-based): chr15:93,024,581, G>A. VCF-style: chr15-93024581-G-A. GRCh37 (hg19) VCF-style: chr15-93567811-G-A.
Other names: short protein forms R1788H.
Identifiers: ClinVar variation 862107 (VCV000862107.14), dbSNP rs140365508, ClinGen allele CA7748729.